The following is an entry in ClinVar:

ClinVar aggregate classification (germline): Benign. Review status: criteria provided, multiple submitters, no conflicts (2 of 4 stars). 3 submissions from 3 submitters: Benign (3). Last evaluated 2022-10-19.

Conditions:
Cataract 6 multiple types. Also called: CATARACT 6, CONGENITAL TOTAL; CATARACT, AGE-RELATED CORTICAL, 2; CATARACT 6, POSTERIOR POLAR. Identifiers: Orphanet 91492, MedGen C1861825, MONDO:0007288, OMIM 116600.

Allele frequency attached by ClinVar (database versions not stated): ESP Exome Variant Server 0.00008; TOPMed 0.00035; 1000 Genomes Project 30x 0.00172; 1000 Genomes Project 0.00180.
gnomAD v4.1: 1,342 of 1,613,852 alleles (0.083%); highest among the groups gnomAD compares: South Asian, 0.99%; 12 homozygotes.

Submissions (3):

Labcorp Genetics (formerly Invitae), Labcorp
Classification: Benign for Cataract 6 multiple types. Last evaluated: 2022-10-19. Review status: criteria provided, single submitter. Criteria: Invitae Variant Classification Sherloc (09022015). Collection method: clinical testing. Allele origin: germline.

Illumina Laboratory Services, Illumina
Classification: Benign for Cataract 6 multiple types. Last evaluated: 2018-01-12. Review status: criteria provided, single submitter. Criteria: ICSL Variant Classification Criteria 13 December 2019. Collection method: clinical testing. Allele origin: germline.
Comment: This variant was observed in the ICSL laboratory as part of a predisposition screen in an ostensibly healthy population. It had not been previously curated by ICSL or reported in the Human Gene Mutation Database (HGMD: prior to June 1st, 2018), and was therefore a candidate for classification through an automated scoring system. Utilizing variant allele frequency, disease prevalence and penetrance estimates, and inheritance mode, an automated score was calculated to assess if this variant is too frequent to cause the disease. Based on the score and internal cut-off values, a variant classified as benign is not then subjected to further curation. The score for this variant resulted in a classification of benign for this disease.

Breakthrough Genomics
Classification: Benign. Review status: criteria provided, single submitter. Criteria: ACMG Guidelines, 2015. Collection method: not provided. Allele origin: germline. Inheritance: Autosomal dominant inheritance. Affected: yes.

NM_004431.5(EPHA2):c.714G>C (p.Pro238=)

Gene: EPHA2 (EPH receptor A2; minus strand). Cytogenetic location: 1p36.13.
Variant type: single nucleotide variant.
Coding change: c.714G>C on transcript NM_004431.5 (MANE Select); coding-DNA position 714, G replaced by C.
Protein change: p.Pro238=; no amino-acid change (proline 238 retained).
Molecular consequence: synonymous variant.
Genome position (GRCh38, 1-based): chr1:16,148,487, C>G on the plus strand (G>C on the coding strand, the complement: EPHA2 is on the minus strand). VCF-style: chr1-16148487-C-G. GRCh37 (hg19) VCF-style: chr1-16474982-C-G.
Other names: c.552G>C, p.Pro184= (NM_001329090.2).
Identifiers: ClinVar variation 293441 (VCV000293441.15), dbSNP rs36037949, ClinGen allele CA625451.